The following is an entry in ClinVar:

ClinVar aggregate classification (germline): Likely pathogenic (1 of 4 stars; one submission).

Submission:

Labcorp Genetics (formerly Invitae), Labcorp
Classification: Likely pathogenic. Last evaluated: 2025-05-09. Review status: criteria provided, single submitter. Criteria: Invitae Variant Classification Sherloc (09022015). Collection method: clinical testing. Allele origin: germline.
Comment: This sequence change replaces glycine, which is neutral and non-polar, with serine, which is neutral and polar, at codon 438 of the COL2A1 protein (p.Gly438Ser). This variant is not present in population databases (gnomAD no frequency). This missense change has been observed in individual(s) with autosomal dominant spondyloepiphyseal dysplasia congenita (PMID: 15076581). This variant is also known as p.Gly238Ser. ClinVar contains an entry for this variant (Variation ID: 3721128). Invitae Evidence Modeling of protein sequence and biophysical properties (such as structural, functional, and spatial information, amino acid conservation, physicochemical variation, residue mobility, and thermodynamic stability) indicates that this missense variant is expected to disrupt COL2A1 protein function with a positive predictive value of 95%. This variant disrupts the triple helix domain of COL2A1. Glycine residues within the Gly-Xaa-Yaa repeats of the triple helix domain are required for the structure and stability of fibrillar collagens (PMID: 7695699, 8218237, 19344236). In COL2A1, variants affecting these glycine residues are significantly enriched in individuals with disease (PMID: 9016532, 17078022) compared to the general population (ExAC). In summary, the currently available evidence indicates that the variant is pathogenic, but additional data are needed to prove that conclusively. Therefore, this variant has been classified as Likely Pathogenic.

Literature cited by the submitters: PubMed 15076581; PubMed 7695699; PubMed 8218237; PubMed 19344236; PubMed 9016532; PubMed 17078022.

NM_001844.5(COL2A1):c.1312G>A (p.Gly438Ser)

Gene: COL2A1 (collagen type II alpha 1 chain; minus strand). Cytogenetic location: 12q13.11.
Variant type: single nucleotide variant.
Coding change: c.1312G>A on transcript NM_001844.5 (MANE Select); coding-DNA position 1312, G replaced by A.
Protein change: p.Gly438Ser; replaces glycine 438 with serine.
Molecular consequence: missense variant.
Genome position (GRCh38, 1-based): chr12:47,987,131, C>T on the plus strand (G>A on the coding strand, the complement: COL2A1 is on the minus strand). VCF-style: chr12-47987131-C-T. GRCh37 (hg19) VCF-style: chr12-48380914-C-T.
Other names: c.1105G>A, p.Gly369Ser (NM_033150.3); short protein forms G369S, G438S.
Identifiers: ClinVar variation 3721128 (VCV003721128.2).
Genomic context (GRCh38, chr12:47,987,131, plus strand): 5'-CTCTTACCGTCTGACCTTTCGGGCCCAGAGGACCAGTTGCACCTTGAGGGCCAGGAGGGC[C>T]CCGTGGCCCAGGGAAGCCAGGAGCACCAGCAATGCCAGGAGCACCCTGTGGGCATGAGAA-3'
Protein context (NP_001835.3, residues 428-448): AGAPGFPGPR[Gly438Ser]PPGPQGATGP